The following is an entry in ClinVar:

ClinVar aggregate classification (germline): Uncertain significance (1 of 4 stars; one submission).

Allele frequency attached by ClinVar (database versions not stated): TOPMed below 0.00001; ExAC 0.00001.

Submission:

Labcorp Genetics (formerly Invitae), Labcorp
Classification: Uncertain significance. Last evaluated: 2022-07-19. Review status: criteria provided, single submitter. Criteria: Invitae Variant Classification Sherloc (09022015). Collection method: clinical testing. Allele origin: germline.
Comment: This sequence change replaces aspartic acid, which is acidic and polar, with valine, which is neutral and non-polar, at codon 593 of the HPS4 protein (p.Asp593Val). This variant is present in population databases (rs765161412, gnomAD 0.006%). This variant has not been reported in the literature in individuals affected with HPS4-related conditions. ClinVar contains an entry for this variant (Variation ID: 1516437). Algorithms developed to predict the effect of missense changes on protein structure and function are either unavailable or do not agree on the potential impact of this missense change (SIFT: "Deleterious"; PolyPhen-2: "Possibly Damaging"; Align-GVGD: "Class C0"). In summary, the available evidence is currently insufficient to determine the role of this variant in disease. Therefore, it has been classified as a Variant of Uncertain Significance.

NM_022081.6(HPS4):c.1778A>T (p.Asp593Val)

Gene: HPS4 (HPS4 biogenesis of lysosomal organelles complex 3 subunit 2; minus strand). Cytogenetic location: 22q12.1.
Variant type: single nucleotide variant.
Coding change: c.1778A>T on transcript NM_022081.6 (MANE Select); coding-DNA position 1778, A replaced by T.
Protein change: p.Asp593Val; replaces aspartic acid 593 with valine.
Molecular consequence: missense variant. On other transcripts: non-coding transcript variant (8), intron variant (2).
Genome position (GRCh38, 1-based): chr22:26,458,513, T>A on the plus strand (A>T on the coding strand, the complement: HPS4 is on the minus strand). VCF-style: chr22-26458513-T-A. GRCh37 (hg19) VCF-style: chr22-26854479-T-A.
Other names: c.1778A>T, p.Asp593Val (NM_001349896.1, NM_001349898.2, NM_001349899.2 and 2 more transcripts); c.1832A>T, p.Asp611Val (NM_001349900.2, NM_001349901.1); c.1763A>T, p.Asp588Val (NM_152841.2); c.1714-5109A>T (NM_001349902.1, NM_001349903.2); short protein forms D588V, D593V, D611V.
Identifiers: ClinVar variation 1516437 (VCV001516437.5), dbSNP rs765161412, ClinGen allele CA10163220.